The following is an entry in ClinVar:

ClinVar aggregate classification (germline): Uncertain significance (1 of 4 stars; one submission).

Conditions:
Autosomal recessive osteopetrosis 1. Also called: TCIRG1-Related Autosomal Recessive Osteopetrosis; TCIRG1-Related Osteopetrosis; ALBERS-SCHONBERG DISEASE, AUTOSOMAL RECESSIVE. Identifiers: Orphanet 667, MedGen C1850127, MONDO:0009815, OMIM 259700.

Submission:

Myriad Genetics, Inc.
Classification: Uncertain significance for Autosomal recessive osteopetrosis 1. Last evaluated: 2026-03-25. Review status: criteria provided, single submitter. Criteria: Myriad Autosomal Dominant, Autosomal Recessive and X-Linked Classification Criteria (2023). Collection method: clinical testing. Allele origin: unknown.
Comment: NM_006019.3(TCIRG1):c.992C>T(A331V) is a missense variant classified as a variant of uncertain significance in the context of autosomal recessive osteopetrosis type 1. A331V has not been observed in cases with relevant disease. Relevant functional assessments of this variant are not available in the literature. A331V has not been observed in referenced population frequency databases. In summary, there is insufficient evidence to classify NM_006019.3(TCIRG1):c.992C>T(A331V) as pathogenic or benign. Please note: this variant was assessed in the context of healthy population screening.

NM_006019.4(TCIRG1):c.992C>T (p.Ala331Val)

Gene: TCIRG1 (T cell immune regulator 1, ATPase H+ transporting V0 subunit a3; plus strand). Cytogenetic location: 11q13.2.
Variant type: single nucleotide variant.
Coding change: c.992C>T on transcript NM_006019.4 (MANE Select); coding-DNA position 992, C replaced by T.
Protein change: p.Ala331Val; replaces alanine 331 with valine.
Molecular consequence: missense variant.
Genome position (GRCh38, 1-based): chr11:68,044,316, C>T. VCF-style: chr11-68044316-C-T. GRCh37 (hg19) VCF-style: chr11-67811783-C-T.
Other names: c.98C>T, p.Ala33Val (NM_001351059.2); c.344C>T, p.Ala115Val (NM_006053.4); short protein forms A331V, A115V, A33V.
Identifiers: ClinVar variation 5003267 (VCV005003267.1), dbSNP rs267603146.
Genomic context (GRCh38, chr11:68,044,316, plus strand): 5'-TGAGCACCACGCACAAGTGCCTCATTGCCGAGGCCTGGTGCTCTGTGCGAGACCTGCCCG[C>T]CCTGCAGGAGGCCCTGCGGGACAGCTCGGTGAGCAGCCTGAGGCCTCGCCCCCTCTCCGC-3'
Protein context (NP_006010.2, residues 321-341): EAWCSVRDLP[Ala331Val]LQEALRDSSM